The following is an entry in ClinVar:

NM_001267550.2(TTN):c.32311G>A (p.Val10771Met)

Gene: TTN (titin; minus strand). Cytogenetic location: 2q31.2.
Variant type: single nucleotide variant.
Coding change: c.32311G>A on transcript NM_001267550.2 (MANE Select); coding-DNA position 32311, G replaced by A.
Protein change: p.Val10771Met; replaces valine 10771 with methionine.
Molecular consequence: missense variant. On other transcripts: intron variant (3).
Genome position (GRCh38, 1-based): chr2:178,688,111, C>T on the plus strand (G>A on the coding strand, the complement: TTN is on the minus strand). VCF-style: chr2-178688111-C-T. GRCh37 (hg19) VCF-style: chr2-179552838-C-T.
Other names: c.28579G>A, p.Val9527Met (NM_133378.4); c.31360G>A, p.Val10454Met (NM_001256850.1); c.13283-45794G>A (NM_003319.4); c.13859-45794G>A (NM_133437.4); c.13658-45794G>A (NM_133432.3); c.32311G>A (NM_001267550.1); short protein forms V10771M, V9527M, V10454M.
Identifiers: ClinVar variation 179356 (VCV000179356.16), dbSNP rs549877654, ClinGen allele CA184259.

ClinVar aggregate classification (germline): Uncertain significance. Review status: criteria provided, multiple submitters, no conflicts (2 of 4 stars). 5 submissions from 5 submitters: Uncertain significance (5). Last evaluated 2026-02-25.

Conditions:
Dilated cardiomyopathy 1G (CMD1G). Identifiers: Orphanet 154, MedGen C1858763, MONDO:0011400, OMIM 604145.
Autosomal recessive limb-girdle muscular dystrophy type 2J (LGMDR10). Also called: Limb-girdle muscular dystrophy, type 2J; MUSCULAR DYSTROPHY, LIMB-GIRDLE, AUTOSOMAL RECESSIVE 10. Identifiers: Orphanet 140922, MedGen C1837342, MONDO:0012127, OMIM 608807.
Tibial muscular dystrophy (TMD). Also called: Udd Distal Myopathy – Tibial Muscular Dystrophy; UDD MYOPATHY; Tibial muscular dystrophy, tardive. Identifiers: Orphanet 609, MedGen C1838244, MONDO:0010870, OMIM 600334.
Myopathy, myofibrillar, 9, with early respiratory failure (MFM9). Also called: Hereditary myopathy with early respiratory failure; EDSTROM MYOPATHY; MYOPATHY, PROXIMAL, WITH EARLY RESPIRATORY MUSCLE INVOLVEMENT; Myopathy, distal, with early respiratory failure, autosomal dominant. Identifiers: Orphanet 178464, Orphanet 34521, MedGen C1863599, MONDO:0011362, OMIM 603689.
Hypertrophic cardiomyopathy 9. Also called: Familial hypertrophic cardiomyopathy 9. Identifiers: MedGen C1861065, MONDO:0013412, OMIM 613765.
Early-onset myopathy with fatal cardiomyopathy (CMYO5). Also called: CONGENITAL MYOPATHY 5 WITH CARDIOMYOPATHY; Salih Myopathy. Identifiers: Orphanet 289377, MedGen C2673677, MONDO:0012714, OMIM 611705. Disease mechanism: loss of function.
Cardiomyopathy (CMYO). Also called: Cardiomyopathies. Identifiers: Orphanet 167848, MedGen C0878544, MONDO:0004994, HP:0001638. Inheritance: Various modes of inheritance.

Allele frequency attached by ClinVar (database versions not stated): 1000 Genomes Project 30x 0.00031; gnomAD exomes below 0.00001; gnomAD 0.00001; 1000 Genomes Project 0.00020.
gnomAD v4.1: 3 of 1,611,166 alleles (0.00019%); highest among the groups gnomAD compares: Non-Finnish European, 0.00017%; no homozygotes.

Submissions (5):

GeneDx
Classification: Uncertain significance. Last evaluated: 2026-02-25. Review status: criteria provided, single submitter. Criteria: GeneDx Variant Classification Process June 2021. Collection method: clinical testing. Allele origin: germline.
Comment: Not observed at significant frequency in large population cohorts (gnomAD); In silico analysis supports that this missense variant has a deleterious effect on protein structure/function; Has not been previously published as pathogenic or benign to our knowledge

Labcorp Genetics (formerly Invitae), Labcorp
Classification: Uncertain significance for Dilated cardiomyopathy 1G; Autosomal recessive limb-girdle muscular dystrophy type 2J. Last evaluated: 2024-03-07. Review status: criteria provided, single submitter. Criteria: Invitae Variant Classification Sherloc (09022015). Collection method: clinical testing. Allele origin: germline.
Comment: This sequence change replaces valine, which is neutral and non-polar, with methionine, which is neutral and non-polar, at codon 10771 of the TTN protein (p.Val10771Met). This variant also falls at the last nucleotide of exon 127, which is part of the consensus splice site for this exon. This variant is not present in population databases (gnomAD no frequency). This variant has not been reported in the literature in individuals affected with TTN-related conditions. ClinVar contains an entry for this variant (Variation ID: 179356). Experimental studies and prediction algorithms are not available or were not evaluated, and the functional significance of this variant is currently unknown. Variants that disrupt the consensus splice site are a relatively common cause of aberrant splicing (PMID: 17576681, 9536098). Algorithms developed to predict the effect of sequence changes on RNA splicing suggest that this variant may disrupt the consensus splice site. This variant is located in the I band of TTN (PMID: 25589632). Non-truncating variants in this region may be clinically relevant, but have not been definitively shown to cause cardiomyopathy or neuromuscular disease (PMID: 27493940, 32778822). In summary, the available evidence is currently insufficient to determine the role of this variant in disease. Therefore, it has been classified as a Variant of Uncertain Significance.

CHEO Genetics Diagnostic Laboratory, Children's Hospital of Eastern Ontario
Classification: Uncertain significance for Cardiomyopathy. Last evaluated: 2021-11-26. Review status: criteria provided, single submitter. Criteria: ACMG Guidelines, 2015. Collection method: clinical testing. Allele origin: germline.

Fulgent Genetics
Classification: Uncertain significance for Tibial muscular dystrophy; Myopathy, myofibrillar, 9, with early respiratory failure; Dilated cardiomyopathy 1G; Autosomal recessive limb-girdle muscular dystrophy type 2J; Early-onset myopathy with fatal cardiomyopathy; Hypertrophic cardiomyopathy 9. Last evaluated: 2021-07-08. Review status: criteria provided, single submitter. Criteria: ACMG Guidelines, 2015. Collection method: clinical testing. Allele origin: unknown.

Laboratory for Molecular Medicine, Mass General Brigham Personalized Medicine
Classification: Uncertain significance. Last evaluated: 2013-10-03. Review status: criteria provided, single submitter. Criteria: LMM Criteria. Collection method: clinical testing. Allele origin: germline. Observed: 1 variant allele.
Comment: Variant classified as Uncertain Significance - Favor Pathogenic. The Val9527Met variant in TTN has not been previously reported in individuals with cardiomyopat hy, in large population studies, or been observed in our laboratory. This varian t is located in the last base of the exon, which is part of the 5? splice region . Computational tools do predict altered splicing which may lead leading to an a bnormal or absent protein. However, this information is not predictive enough to conclusively determine pathogenicity. Splice and other truncating variants in T TN are strongly associated with DCM and the majority occur in the A-band (Herman 2012, LMM unpublished data); this variant occurs in the I-band. Although this d ata is supportive of pathogenicity for the Val9527Met variant, additional studie s are needed to fully assess its clinical significance.

Literature cited by the submitters: PubMed 17576681 (cited by Labcorp Genetics (formerly Invitae), Labcorp); PubMed 9536098 (cited by Labcorp Genetics (formerly Invitae), Labcorp); PubMed 25589632 (cited by Labcorp Genetics (formerly Invitae), Labcorp); PubMed 27493940 (cited by Labcorp Genetics (formerly Invitae), Labcorp); PubMed 32778822 (cited by Labcorp Genetics (formerly Invitae), Labcorp).